The following is an entry in ClinVar:

ClinVar aggregate classification (germline): Uncertain significance (1 of 4 stars; one submission).

Conditions:
Malignant hyperthermia, susceptibility to, 1 (MHS1). Also called: Anesthesia related hyperthermia; Malignant hyperpyrexia; Fulminating hyperpyrexia; Pharmacogenic myopathy; RYR1-Related Malignant Hyperthermia Susceptibility; Malignant hyperthermia suceptibility 1. Identifiers: Orphanet 423, MedGen C2930980, MONDO:0007783, OMIM 145600.

Submission:

All of Us Research Program, National Institutes of Health
Classification: Uncertain significance for Malignant hyperthermia, susceptibility to, 1. Last evaluated: 2023-09-17. Review status: criteria provided, single submitter. Criteria: ACMG Guidelines, 2015. Collection method: clinical testing. Allele origin: germline. Inheritance: Autosomal dominant inheritance. Observed: 1 variant allele, 1 heterozygote.
Comment: This missense variant replaces glutamic acid with glutamine at codon 3375 of the RYR1 protein. Computational prediction is inconclusive regarding the impact of this variant on protein structure and function (internally defined REVEL score threshold 0.5 < inconclusive < 0.7, PMID: 27666373). To our knowledge, functional studies have not been reported for this variant. This variant has not been reported in individuals affected with RYR1-related disorders in the literature. This variant has not been identified in the general population by the Genome Aggregation Database (gnomAD). The available evidence is insufficient to determine the role of this variant in disease conclusively. Therefore, this variant is classified as a Variant of Uncertain Significance.

This study involves interpretation of variants in research participants for the purpose of population health screening. Participant phenotype was not available at the time of variant classification. Additional details can be found in publication PMID: 35346344, PMCID: PMC8962531

NM_000540.3(RYR1):c.10123G>C (p.Glu3375Gln)

Gene: RYR1 (ryanodine receptor 1; plus strand). Cytogenetic location: 19q13.2.
Variant type: single nucleotide variant.
Coding change: c.10123G>C on transcript NM_000540.3 (MANE Select); coding-DNA position 10123, G replaced by C.
Protein change: p.Glu3375Gln; replaces glutamic acid 3375 with glutamine.
Molecular consequence: missense variant.
Genome position (GRCh38, 1-based): chr19:38,519,318, G>C. VCF-style: chr19-38519318-G-C. GRCh37 (hg19) VCF-style: chr19-39009958-G-C.
Other names: c.10123G>C, p.Glu3375Gln (NM_001042723.2); short protein forms E3375Q.
Identifiers: ClinVar variation 3073477 (VCV003073477.1), dbSNP rs755974779, ClinGen allele CA405695426.